The following is an entry in ClinVar:

NM_003108.4(SOX11):c.1306G>T (p.Asp436Tyr)

Gene: SOX11 (SRY-box transcription factor 11; plus strand). Cytogenetic location: 2p25.2.
Variant type: single nucleotide variant.
Coding change: c.1306G>T on transcript NM_003108.4 (MANE Select); coding-DNA position 1306, G replaced by T.
Protein change: p.Asp436Tyr; replaces aspartic acid 436 with tyrosine.
Molecular consequence: missense variant.
Genome position (GRCh38, 1-based): chr2:5,694,027, G>T. VCF-style: chr2-5694027-G-T. GRCh37 (hg19) VCF-style: chr2-5834159-G-T.
Other names: short protein forms D436Y.
Identifiers: ClinVar variation 3361467 (VCV003361467.1).

ClinVar aggregate classification (germline): Uncertain significance (1 of 4 stars; one submission).

Submission:

GeneDx
Classification: Uncertain significance. Last evaluated: 2023-07-21. Review status: criteria provided, single submitter. Criteria: GeneDx Variant Classification Process June 2021. Collection method: clinical testing. Allele origin: germline. Affected: yes.
Comment: Not observed at significant frequency in large population cohorts (gnomAD); In silico analysis supports that this missense variant has a deleterious effect on protein structure/function; Has not been previously published as pathogenic or benign to our knowledge